The following is an entry in ClinVar:

NM_000719.7(CACNA1C):c.6097G>A (p.Ala2033Thr)

Genes: CACNA1C (calcium voltage-gated channel subunit alpha1 C; plus strand), CACNA1C-AS1 (CACNA1C antisense RNA 1; minus strand). Cytogenetic location: 12p13.33.
Variant type: single nucleotide variant.
Coding change: c.6097G>A on transcript NM_000719.7 (MANE Select); coding-DNA position 6097, G replaced by A.
Protein change: p.Ala2033Thr; replaces alanine 2033 with threonine.
Molecular consequence: missense variant.
Genome position (GRCh38, 1-based): chr12:2,688,759, G>A. VCF-style: chr12-2688759-G-A. GRCh37 (hg19) VCF-style: chr12-2797925-G-A.
Other names: c.6121G>A, p.Ala2041Thr (NM_001129838.2, NM_001129837.2); c.6115G>A, p.Ala2039Thr (NM_001129839.2); c.6097G>A, p.Ala2033Thr (NM_001129840.2, NM_001129841.2, NM_001129842.2 and 2 more transcripts); c.6088G>A, p.Ala2030Thr (NM_001129844.2); c.6064G>A, p.Ala2022Thr (NM_001129846.2); c.6202G>A, p.Ala2068Thr (NM_001167624.3, NM_001129830.3); c.6277G>A, p.Ala2093Thr (NM_001167625.2); c.6346G>A, p.Ala2116Thr (NM_199460.4); and 6 more; short protein forms A2053T, A2061T, A2030T, A2039T, A2052T, A2068T, A2093T, A2116T.
Identifiers: ClinVar variation 1751535 (VCV001751535.2), dbSNP rs2534884789, ClinGen allele CA383385461.

ClinVar aggregate classification (germline): Uncertain significance (1 of 4 stars; one submission).

Conditions:
Cardiovascular phenotype. Identifiers: MedGen CN230736.

Submission:

Ambry Genetics
Classification: Uncertain significance for Cardiovascular phenotype. Last evaluated: 2021-01-08. Review status: criteria provided, single submitter. Criteria: Ambry Variant Classification Scheme 2023. Collection method: clinical testing. Allele origin: germline.
Comment: The p.A2033T variant (also known as c.6097G>A), located in coding exon 46 of the CACNA1C gene, results from a G to A substitution at nucleotide position 6097. The alanine at codon 2033 is replaced by threonine, an amino acid with similar properties. This amino acid position is highly conserved in available vertebrate species. In addition, the in silico prediction for this alteration is inconclusive. Since supporting evidence is limited at this time, the clinical significance of this alteration remains unclear.